The following is an entry in ClinVar:

NM_000419.5(ITGA2B):c.131G>T (p.Gly44Val)

Gene: ITGA2B (integrin subunit alpha 2b; minus strand). Cytogenetic location: 17q21.31.
Variant type: single nucleotide variant.
Coding change: c.131G>T on transcript NM_000419.5 (MANE Select); coding-DNA position 131, G replaced by T.
Protein change: p.Gly44Val; replaces glycine 44 with valine.
Molecular consequence: missense variant.
Genome position (GRCh38, 1-based): chr17:44,389,343, C>A on the plus strand (G>T on the coding strand, the complement: ITGA2B is on the minus strand). VCF-style: chr17-44389343-C-A. GRCh37 (hg19) VCF-style: chr17-42466711-C-A.
Other names: short protein forms G44V.
Identifiers: ClinVar variation 953032 (VCV000953032.2), dbSNP rs2048678209, ClinGen allele CA399806881.

ClinVar aggregate classification (germline): Pathogenic (3 of 4 stars; one submission).

Conditions:
Glanzmann thrombasthenia. Also called: BLEEDING DISORDER, PLATELET-TYPE, 2; THROMBASTHENIA OF GLANZMANN AND NAEGELI; PLATELET GLYCOPROTEIN IIb-IIIa DEFICIENCY; Glanzmann's thrombasthenia; Thrombasthenia. Identifiers: Orphanet 849, MedGen C0040015, MONDO:0100326.

Submission:

ClinGen Platelet Disorders Variant Curation Expert Panel, ClinGen
Classification: Pathogenic for Glanzmann thrombasthenia. Last evaluated: 2020-09-08. Review status: reviewed by expert panel. Criteria: ClinGen Platelet ACMG Specifications v2-1. Collection method: curation. Allele origin: germline. Inheritance: Autosomal recessive inheritance.
Comment: The NM_000419.5(ITGA2B):c.131G>T variant results in the Gly44Val missense change. It is absent in population databases and is predicted damaging by in silico tools (REVEL score of 0.797). A family of 3 compound heterozygous individuals is reported in the literature (PMID: 22394243, 25728920) with confirmation of the variants in trans. In summary, based on the evidence available at this time, the Gly44Val variant is classified Pathogenic. GT-specific criteria applied: PM2_Supporting, PM3, PP1_Moderate, PP4_Strong, PP3.